The following is an entry in ClinVar:

ClinVar aggregate classification (germline): Pathogenic/Likely pathogenic. Review status: criteria provided, multiple submitters, no conflicts (2 of 4 stars). 5 submissions from 4 submitters: Pathogenic (1); Likely pathogenic (1). 3 of the submissions do not count toward it. Last evaluated 2026-06-04.

Conditions:
Meckel syndrome, type 4 (MKS4). Also called: MECKEL-GRUBER SYNDROME, TYPE 4. Identifiers: Orphanet 564, MedGen C1970161, MONDO:0012626, OMIM 611134.
Retinal disorder. Also called: Retinal disorders; Retinopathies; Retinal Diseases; Retinopathy. Identifiers: MedGen C0035309, MONDO:0005283, HP:0000488.
Joubert syndrome. Also called: JOUBERT-BOLTSHAUSER SYNDROME; Familial aplasia of the vermis. Identifiers: Orphanet 475, MedGen C5979921, MONDO:0018772.
Joubert syndrome 39 (JBTS39). Identifiers: MedGen C5562000, MONDO:0030454, OMIM 619562.

Allele frequency attached by ClinVar (database versions not stated): ExAC 0.00004; gnomAD exomes 0.00004 and 0.00013; gnomAD 0.00009 and 0.00010; ESP Exome Variant Server 0.00015; TOPMed 0.00011.
gnomAD v4.1: 215 of 1,613,184 alleles (0.013%); highest among the groups gnomAD compares: Non-Finnish European, 0.017%; no homozygotes.

Submissions (5):

Genetics Laboratory, Great Ormond Street Hospital NHS Foundation Trust, North Thames Genomic Laboratory Hub
Classification: Pathogenic for Retinal disorders. Last evaluated: 2026-06-04. Review status: criteria provided, single submitter. Criteria: ACGS Best Practice Guidelines for Variant Classification in Rare Disease 2024 v1.2. Collection method: clinical testing. Allele origin: germline. Affected: yes.
Comment: PM2_moderate, PP3_supporting, PP1_strong, PM3_strong

Fulgent Genetics
Classification: Likely pathogenic for Joubert syndrome 39. Last evaluated: 2021-10-05. Review status: criteria provided, single submitter. Criteria: ACMG Guidelines, 2015. Collection method: clinical testing. Allele origin: unknown.

OMIM
Classification: Pathogenic for JOUBERT SYNDROME 39. Last evaluated: 2021-10-12. Review status: no assertion criteria provided. Collection method: literature only. Allele origin: germline. Not counted in ClinVar's aggregate classification.

UW Hindbrain Malformation Research Program, University of Washington
Classification: Pathogenic for Joubert syndrome. Last evaluated: 2020-11-05. Review status: no assertion criteria provided. Collection method: research. Allele origin: paternal. Affected: yes. Not counted in ClinVar's aggregate classification.

UW Hindbrain Malformation Research Program, University of Washington
Classification: Pathogenic for Meckel syndrome, type 4. Last evaluated: 2020-11-05. Review status: no assertion criteria provided. Collection method: research. Allele origin: maternal. Affected: yes. Not counted in ClinVar's aggregate classification.

Literature cited by the submitters: PubMed 33791682 (cited by OMIM).

NM_001258244.2(TMEM218):c.238C>T (p.Arg80Cys)

Gene: TMEM218 (transmembrane protein 218; minus strand). Cytogenetic location: 11q24.2.
Variant type: single nucleotide variant.
Coding change: c.238C>T on transcript NM_001258244.2 (MANE Select); coding-DNA position 238, C replaced by T.
Protein change: p.Arg80Cys; replaces arginine 80 with cysteine.
Molecular consequence: missense variant. On other transcripts: 3 prime UTR variant (5), non-coding transcript variant (21).
Genome position (GRCh38, 1-based): chr11:125,097,716, G>A on the plus strand (C>T on the coding strand, the complement: TMEM218 is on the minus strand). VCF-style: chr11-125097716-G-A. GRCh37 (hg19) VCF-style: chr11-124967612-G-A.
Other names: R115C; c.238C>T, p.Arg80Cys (NM_001080546.3, NM_001258238.2, NM_001258239.3 and 25 more transcripts); c.*53C>T (NM_001387258.1, NM_001387259.1, NM_001387255.1 and 2 more transcripts); c.316C>T, p.Arg106Cys (NM_001387249.1); c.157C>T, p.Arg53Cys (NM_001387250.1, NM_001387251.1, NM_001387252.1 and 2 more transcripts); short protein forms R80C, R106C, R53C.
Identifiers: ClinVar variation 983527 (VCV000983527.4), dbSNP rs141744337, ClinGen allele CA6347295.